The following is an entry in ClinVar:

ClinVar aggregate classification (germline): Uncertain significance (1 of 4 stars; one submission).

Submission:

Labcorp Genetics (formerly Invitae), Labcorp
Classification: Uncertain significance. Last evaluated: 2021-06-17. Review status: criteria provided, single submitter. Criteria: Invitae Variant Classification Sherloc (09022015). Collection method: clinical testing. Allele origin: germline.
Comment: This sequence change replaces histidine with proline at codon 663 of the ADGRV1 protein (p.His663Pro). The histidine residue is moderately conserved and there is a moderate physicochemical difference between histidine and proline. This variant is not present in population databases (ExAC no frequency). This variant has not been reported in the literature in individuals with ADGRV1-related conditions. Algorithms developed to predict the effect of missense changes on protein structure and function are either unavailable or do not agree on the potential impact of this missense change (SIFT: "Tolerated"; PolyPhen-2: "Possibly Damaging"; Align-GVGD: "Class C0"). In summary, the available evidence is currently insufficient to determine the role of this variant in disease. Therefore, it has been classified as a Variant of Uncertain Significance.

NM_032119.4(ADGRV1):c.1988A>C (p.His663Pro)

Gene: ADGRV1 (adhesion G protein-coupled receptor V1; plus strand). Cytogenetic location: 5q14.3.
Variant type: single nucleotide variant.
Coding change: c.1988A>C on transcript NM_032119.4 (MANE Select); coding-DNA position 1988, A replaced by C.
Protein change: p.His663Pro; replaces histidine 663 with proline.
Molecular consequence: missense variant. On other transcripts: non-coding transcript variant (1).
Genome position (GRCh38, 1-based): chr5:90,635,262, A>C. VCF-style: chr5-90635262-A-C. GRCh37 (hg19) VCF-style: chr5-89931079-A-C.
Other names: short protein forms H663P.
Identifiers: ClinVar variation 1361905 (VCV001361905.8), dbSNP rs2149401926, ClinGen allele CA360381554.